The following is an entry in ClinVar:

NM_024079.5(ALG8):c.1556C>T (p.Ala519Val)

Gene: ALG8 (ALG8 alpha-1,3-glucosyltransferase; minus strand). Cytogenetic location: 11q14.1.
Variant type: single nucleotide variant.
Coding change: c.1556C>T on transcript NM_024079.5 (MANE Select); coding-DNA position 1556, C replaced by T.
Protein change: p.Ala519Val; replaces alanine 519 with valine.
Molecular consequence: missense variant. On other transcripts: 3 prime UTR variant (1).
Genome position (GRCh38, 1-based): chr11:78,100,989, G>A on the plus strand (C>T on the coding strand, the complement: ALG8 is on the minus strand). VCF-style: chr11-78100989-G-A. GRCh37 (hg19) VCF-style: chr11-77812035-G-A.
Other names: c.*227C>T (NM_001007027.3); short protein forms A519V.
Identifiers: ClinVar variation 1025402 (VCV001025402.7), dbSNP rs990677542, ClinGen allele CA224901516.

ClinVar aggregate classification (germline): Uncertain significance. Review status: criteria provided, multiple submitters, no conflicts (2 of 4 stars). 2 submissions from 2 submitters: Uncertain significance (2). Last evaluated 2025-06-12.

Conditions:
Polycystic liver disease 3 with or without kidney cysts. Identifiers: MedGen C4693472, MONDO:0054743, OMIM 617874.
ALG8 congenital disorder of glycosylation. Also called: CONGENITAL DISORDER OF GLYCOSYLATION, TYPE Ih; ALG8-CDG; CDG Ih. Identifiers: Orphanet 79325, MedGen C2931002, MONDO:0011969, OMIM 608104.

Allele frequency attached by ClinVar (database versions not stated): gnomAD 0.00001; gnomAD exomes 0.00001; TOPMed 0.00001.
gnomAD v4.1: 4 of 1,613,924 alleles (0.00025%); highest among the groups gnomAD compares: Admixed American, 0.005%; no homozygotes.

Submissions (2):

Labcorp Genetics (formerly Invitae), Labcorp
Classification: Uncertain significance for ALG8 congenital disorder of glycosylation. Last evaluated: 2025-06-12. Review status: criteria provided, single submitter. Criteria: Invitae Variant Classification Sherloc (09022015). Collection method: clinical testing. Allele origin: germline.
Comment: This sequence change replaces alanine, which is neutral and non-polar, with valine, which is neutral and non-polar, at codon 519 of the ALG8 protein (p.Ala519Val). This variant is present in population databases (no rsID available, gnomAD 0.006%). This variant has not been reported in the literature in individuals affected with ALG8-related conditions. ClinVar contains an entry for this variant (Variation ID: 1025402). An algorithm developed to predict the effect of missense changes on protein structure and function (PolyPhen-2) suggests that this variant is likely to be tolerated. In summary, the available evidence is currently insufficient to determine the role of this variant in disease. Therefore, it has been classified as a Variant of Uncertain Significance.

Fulgent Genetics
Classification: Uncertain significance for ALG8 congenital disorder of glycosylation; Polycystic liver disease 3 with or without kidney cysts. Last evaluated: 2024-04-25. Review status: criteria provided, single submitter. Criteria: ACMG Guidelines, 2015. Collection method: clinical testing. Allele origin: germline.